The following is an entry in ClinVar:

ClinVar aggregate classification (germline): Uncertain significance (1 of 4 stars; one submission).

Allele frequency attached by ClinVar (database versions not stated): gnomAD exomes below 0.00001.
gnomAD v4.1: 2 of 1,211,044 alleles (0.00017%); highest among the groups gnomAD compares: South Asian, 0.0035%; no homozygotes.

Submission:

Labcorp Genetics (formerly Invitae), Labcorp
Classification: Uncertain significance. Last evaluated: 2023-05-14. Review status: criteria provided, single submitter. Criteria: Invitae Variant Classification Sherloc (09022015). Collection method: clinical testing. Allele origin: germline.
Comment: In summary, the available evidence is currently insufficient to determine the role of this variant in disease. Therefore, it has been classified as a Variant of Uncertain Significance. An algorithm developed to predict the effect of missense changes on protein structure and function (PolyPhen-2) suggests that this variant is likely to be disruptive. This variant has not been reported in the literature in individuals affected with TLR7-related conditions. This variant is present in population databases (rs776034007, gnomAD 0.005%). This sequence change replaces proline, which is neutral and non-polar, with arginine, which is basic and polar, at codon 188 of the TLR7 protein (p.Pro188Arg).

NM_016562.4(TLR7):c.563C>G (p.Pro188Arg)

Gene: TLR7 (toll like receptor 7; plus strand). Cytogenetic location: Xp22.2.
Variant type: single nucleotide variant.
Coding change: c.563C>G on transcript NM_016562.4 (MANE Select); coding-DNA position 563, C replaced by G.
Protein change: p.Pro188Arg; replaces proline 188 with arginine.
Molecular consequence: missense variant.
Genome position (GRCh38, 1-based): chrX:12,886,071, C>G. VCF-style: chrX-12886071-C-G. GRCh37 (hg19) VCF-style: chrX-12904190-C-G.
Other names: short protein forms P188R.
Identifiers: ClinVar variation 2789362 (VCV002789362.3), dbSNP rs776034007, ClinGen allele CA10349939.
Genomic context (GRCh38, chrX:12,886,071, plus strand): 5'-TAACAGAACTGGCCAACATAGAAATACTCTACCTGGGCCAAAACTGTTATTATCGAAATC[C>G]TTGTTATGTTTCATATTCAATAGAGAAAGATGCCTTCCTAAACTTGACAAAGTTAAAAGT-3'
Protein context (NP_057646.1, residues 178-198): YLGQNCYYRN[Pro188Arg]CYVSYSIEKD